The following is an entry in ClinVar:

NM_000222.3(KIT):c.1679T>C (p.Val560Ala)

Gene: KIT (KIT proto-oncogene, receptor tyrosine kinase; plus strand). Cytogenetic location: 4q12.
Variant type: single nucleotide variant.
Coding change: c.1679T>C on transcript NM_000222.3 (MANE Select); coding-DNA position 1679, T replaced by C.
Protein change: p.Val560Ala; replaces valine 560 with alanine.
Molecular consequence: missense variant.
Genome position (GRCh38, 1-based): chr4:54,727,447, T>C. VCF-style: chr4-54727447-T-C. GRCh37 (hg19) VCF-style: chr4-55593613-T-C.
Other names: c.1667T>C, p.Val556Ala (NM_001093772.2, NM_001385286.1); c.1682T>C, p.Val561Ala (NM_001385284.1, NM_001385290.1); c.1679T>C, p.Val560Ala (NM_001385285.1); c.1670T>C, p.Val557Ala (NM_001385288.1, NM_001385292.1); c.1679T>C (NM_000222.2); short protein forms V560A, V556A, V557A, V561A.
Identifiers: ClinVar variation 375915 (VCV000375915.10), dbSNP rs121913521, ClinGen allele CA16602397.
Genomic context (GRCh38, chr4:54,727,447, plus strand): 5'-GTGATCTATTTTTCCCTTTCTCCCCACAGAAACCCATGTATGAAGTACAGTGGAAGGTTG[T>C]TGAGGAGATAAATGGAAACAATTATGTTTACATAGACCCAACACAACTTCCTTATGATCA-3'
Protein context (NP_000213.1, residues 550-570): KPMYEVQWKV[Val560Ala]EEINGNNYVY

ClinVar aggregate classification (germline): Uncertain significance. Review status: criteria provided, multiple submitters, no conflicts (2 of 4 stars). 2 submissions from 2 submitters: Uncertain significance (2). Last evaluated 2025-03-02.

Conditions:
Gastrointestinal stromal tumor. Also called: Gastrointestinal stromal tumor, somatic; Gastrointestinal stroma tumor. Identifiers: Orphanet 44890, MedGen C0238198, MeSH D046152, MONDO:0011719, OMIM 606764, HP:0100723.
Hereditary cancer-predisposing syndrome. Also called: Neoplastic Syndromes, Hereditary; Hereditary Cancer Syndrome; Hereditary neoplastic syndrome; Tumor predisposition. Identifiers: Orphanet 140162, MedGen C0027672, MeSH D009386, MONDO:0015356.

Allele frequency attached by ClinVar (database versions not stated): gnomAD exomes below 0.00001.
gnomAD v4.1: 1 of 1,614,118 alleles (0.000062%); highest among the groups gnomAD compares: Non-Finnish European, 0.000085%; no homozygotes.

Submissions (2):

Ambry Genetics
Classification: Uncertain significance for Hereditary cancer-predisposing syndrome. Last evaluated: 2025-03-02. Review status: criteria provided, single submitter. Criteria: Ambry Variant Classification Scheme 2023. Collection method: clinical testing. Allele origin: germline.
Comment: The p.V560A variant (also known as c.1679T>C), located in coding exon 11 of the KIT gene, results from a T to C substitution at nucleotide position 1679. The valine at codon 560 is replaced by alanine, an amino acid with similar properties. This amino acid position is well conserved in available vertebrate species. In addition, the in silico prediction for this alteration is inconclusive. Based on the available evidence, the clinical significance of this variant remains unclear.

Labcorp Genetics (formerly Invitae), Labcorp
Classification: Uncertain significance for Gastrointestinal stromal tumor. Last evaluated: 2024-08-12. Review status: criteria provided, single submitter. Criteria: Invitae Variant Classification Sherloc (09022015). Collection method: clinical testing. Allele origin: germline.
Comment: This sequence change replaces valine, which is neutral and non-polar, with alanine, which is neutral and non-polar, at codon 560 of the KIT protein (p.Val560Ala). This variant is not present in population databases (gnomAD no frequency). This variant has not been reported in the literature in individuals affected with KIT-related conditions. ClinVar contains an entry for this variant (Variation ID: 375915). An algorithm developed to predict the effect of missense changes on protein structure and function (PolyPhen-2) suggests that this variant is likely to be disruptive. In summary, the available evidence is currently insufficient to determine the role of this variant in disease. Therefore, it has been classified as a Variant of Uncertain Significance.